The following is an entry in ClinVar:

NM_000368.5(TSC1):c.2364A>C (p.Glu788Asp)

Gene: TSC1 (TSC complex subunit 1; minus strand). Cytogenetic location: 9q34.13.
Variant type: single nucleotide variant.
Coding change: c.2364A>C on transcript NM_000368.5 (MANE Select); coding-DNA position 2364, A replaced by C.
Protein change: p.Glu788Asp; replaces glutamic acid 788 with aspartic acid.
Molecular consequence: missense variant. On other transcripts: non-coding transcript variant (5).
Genome position (GRCh38, 1-based): chr9:132,902,632, T>G on the plus strand (A>C on the coding strand, the complement: TSC1 is on the minus strand). VCF-style: chr9-132902632-T-G. GRCh37 (hg19) VCF-style: chr9-135778019-T-G.
Other names: c.2346A>C, p.Glu782Asp (NM_001406603.1, NM_001406604.1); c.2364A>C, p.Glu788Asp (NM_001406605.1, NM_001406606.1, NM_001406607.1 and 5 more transcripts); c.2361A>C, p.Glu787Asp (NM_001406608.1, NM_001406609.1, NM_001162426.2 and 4 more transcripts); c.2211A>C, p.Glu737Asp (NM_001406610.1, NM_001162427.2); c.2208A>C, p.Glu736Asp (NM_001406611.1, NM_001406612.1, NM_001406613.1); c.2001A>C, p.Glu667Asp (NM_001362177.2, NM_001406614.1, NM_001406615.1 and 5 more transcripts); c.2349A>C, p.Glu783Asp (NM_001406601.1, NM_001406602.1); c.1998A>C, p.Glu666Asp (NM_001406620.1, NM_001406621.1, NM_001406622.1 and 2 more transcripts); and 3 more; short protein forms E437D, E470D, E471D, E736D, E787D, E667D, E782D, E666D.
Identifiers: ClinVar variation 2447877 (VCV002447877.4), dbSNP rs1588301218, ClinGen allele CA375359232.

ClinVar aggregate classification (germline): Conflicting classifications of pathogenicity. Review status: criteria provided, conflicting classifications (1 of 4 stars). 2 submissions from 2 submitters: Uncertain significance (1); Likely benign (1). Last evaluated 2026-07-09.

Conditions:
Hereditary cancer-predisposing syndrome. Also called: Hereditary Cancer Syndrome; Hereditary neoplastic syndrome; Neoplastic Syndromes, Hereditary; Tumor predisposition. Identifiers: Orphanet 140162, MedGen C0027672, MeSH D009386, MONDO:0015356.
Tuberous sclerosis syndrome (TSC). Also called: Tuberous sclerosis; Tuberous Sclerosis Complex. Identifiers: Orphanet 805, MedGen C0041341, MONDO:0001734.

Allele frequency attached by ClinVar (database versions not stated): gnomAD exomes below 0.00001.
gnomAD v4.1: 2 of 1,614,184 alleles (0.00012%); highest among the groups gnomAD compares: Non-Finnish European, 0.00017%; no homozygotes.

Submissions (2):

Ambry Genetics
Classification: Likely benign for Hereditary cancer-predisposing syndrome. Last evaluated: 2026-07-09. Review status: criteria provided, single submitter. Criteria: Ambry Variant Classification Scheme 2023. Collection method: clinical testing. Allele origin: germline.

Color Diagnostics, LLC DBA Color Health
Classification: Uncertain significance for Tuberous sclerosis syndrome. Last evaluated: 2025-07-14. Review status: criteria provided, single submitter. Criteria: ACMG Guidelines, 2015. Collection method: clinical testing. Allele origin: germline.
Comment: This missense variant replaces glutamic acid with aspartic acid at codon 788 of the TSC1 protein. Computational prediction suggests that this variant may not impact protein structure and function. To our knowledge, functional studies have not been reported for this variant. This variant has not been reported in individuals affected with TSC1-related disorders in the literature. This variant has not been identified in the general population by the Genome Aggregation Database (gnomAD). The available evidence is insufficient to determine the role of this variant in disease conclusively. Therefore, this variant is classified as a Variant of Uncertain Significance.